The following is an entry in ClinVar:

NM_001211.6(BUB1B):c.2658G>C (p.Arg886Ser)

Gene: BUB1B (BUB1 mitotic checkpoint serine/threonine kinase B; plus strand). Cytogenetic location: 15q15.1.
Variant type: single nucleotide variant.
Coding change: c.2658G>C on transcript NM_001211.6 (MANE Select); coding-DNA position 2658, G replaced by C.
Protein change: p.Arg886Ser; replaces arginine 886 with serine.
Molecular consequence: missense variant.
Genome position (GRCh38, 1-based): chr15:40,213,454, G>C. VCF-style: chr15-40213454-G-C. GRCh37 (hg19) VCF-style: chr15-40505655-G-C.
Other names: short protein forms R886S.
Identifiers: ClinVar variation 853415 (VCV000853415.11), dbSNP rs146821149, ClinGen allele CA7476087.
Genomic context (GRCh38, chr15:40,213,454, plus strand): 5'-TTTGACAATAGTGGAGATGCTACACAAAGCAGAAATAGTCCATGGTGACTTGAGTCCAAG[G>C]TGTCTGATTCTCAGAAACAGGTTGGTCCTTTTCATTCTTATAATTCTGCCAGCTGTCTCT-3'
Protein context (NP_001202.5, residues 876-896): AEIVHGDLSP[Arg886Ser]CLILRNRIHD

ClinVar aggregate classification (germline): Uncertain significance (1 of 4 stars; one submission).

Conditions:
Mosaic variegated aneuploidy syndrome 1 (MVA1). Also called: Warburton-Anyane-Yeboa syndrome. Identifiers: Orphanet 1052, MedGen C1850343, MONDO:0009759, OMIM 257300.

Allele frequency attached by ClinVar (database versions not stated): ExAC 0.00002; TOPMed 0.00002; gnomAD 0.00003 and 0.00004; ESP Exome Variant Server 0.00008.
gnomAD v4.1: 8 of 1,613,988 alleles (0.0005%); highest among the groups gnomAD compares: African/African-American, 0.0093%; no homozygotes.

Submission:

Labcorp Genetics (formerly Invitae), Labcorp
Classification: Uncertain significance for Mosaic variegated aneuploidy syndrome 1. Last evaluated: 2024-09-01. Review status: criteria provided, single submitter. Criteria: Invitae Variant Classification Sherloc (09022015). Collection method: clinical testing. Allele origin: germline.
Comment: This sequence change replaces arginine, which is basic and polar, with serine, which is neutral and polar, at codon 886 of the BUB1B protein (p.Arg886Ser). This variant is present in population databases (rs146821149, gnomAD 0.008%). This variant has not been reported in the literature in individuals affected with BUB1B-related conditions. ClinVar contains an entry for this variant (Variation ID: 853415). An algorithm developed to predict the effect of missense changes on protein structure and function outputs the following: PolyPhen-2: "Benign". The serine amino acid residue is found in multiple mammalian species, which suggests that this missense change does not adversely affect protein function. In summary, the available evidence is currently insufficient to determine the role of this variant in disease. Therefore, it has been classified as a Variant of Uncertain Significance.